The following is an entry in ClinVar:

NM_024426.6(WT1):c.181C>T (p.Arg61Trp)

Genes: WT1 (WT1 transcription factor; minus strand), LOC107982234 (WT1/WT1-AS bi-directional promoter region; plus strand). Cytogenetic location: 11p13.
Variant type: single nucleotide variant.
Coding change: c.181C>T on transcript NM_024426.6 (MANE Select); coding-DNA position 181, C replaced by T.
Protein change: p.Arg61Trp; replaces arginine 61 with tryptophan.
Molecular consequence: missense variant. On other transcripts: non-coding transcript variant (1).
Genome position (GRCh38, 1-based): chr11:32,435,180, G>A on the plus strand (C>T on the coding strand, the complement: WT1 is on the minus strand). VCF-style: chr11-32435180-G-A. GRCh37 (hg19) VCF-style: chr11-32456726-G-A.
Other names: c.181C>T, p.Arg61Trp (NM_000378.6, NM_001407044.1, NM_001407045.1 and 6 more transcripts); c.166C>T, p.Arg56Trp (NM_024425.2); short protein forms R56W, R61W.
Identifiers: ClinVar variation 1999647 (VCV001999647.5), dbSNP rs2234581, ClinGen allele CA379966215.

ClinVar aggregate classification (germline): Uncertain significance. Review status: criteria provided, multiple submitters, no conflicts (2 of 4 stars). 2 submissions from 2 submitters: Uncertain significance (2). Last evaluated 2024-05-09.

Conditions:
Wilms tumor 1 (WT1). Also called: Wilms tumor, somatic. Identifiers: Orphanet 654, MedGen CN033288, MONDO:0008679, OMIM 194070.
Drash syndrome (DDS). Also called: NEPHROPATHY, WILMS TUMOR, AND GENITAL ANOMALIES; WILMS TUMOR AND PSEUDO- OR TRUE HERMAPHRODITISM. Identifiers: Orphanet 220, MedGen C0950121, MONDO:0008682, OMIM 194080.
Frasier syndrome. Identifiers: Orphanet 347, MedGen C0950122, MeSH D052159, MONDO:0007635, OMIM 136680.
11p partial monosomy syndrome (WAGR). Also called: WAGR Complex; WAGR Spectrum Disorder; WAGR syndrome; CHROMOSOME 11p13 DELETION SYNDROME. Identifiers: Orphanet 893, MedGen C0206115, MONDO:0008681, OMIM 194072.

gnomAD v4.1: 1 of 1,521,772 alleles (0.000066%); highest among the groups gnomAD compares: Non-Finnish European, 0.000088%; no homozygotes.

Submissions (2):

All of Us Research Program, National Institutes of Health
Classification: Uncertain significance for Wilms tumor 1. Last evaluated: 2024-05-09. Review status: criteria provided, single submitter. Criteria: ACMG Guidelines, 2015. Collection method: clinical testing. Allele origin: germline. Inheritance: Autosomal dominant inheritance. Observed: 1 variant allele, 1 heterozygote.
Comment: This study involves interpretation of variants in research participants for the purpose of population health screening. Participant phenotype was not available at the time of variant classification. Additional details can be found in publication PMID: 35346344, PMCID: PMC8962531

Labcorp Genetics (formerly Invitae), Labcorp
Classification: Uncertain significance for Wilms tumor 1; Drash syndrome; 11p partial monosomy syndrome; Frasier syndrome. Last evaluated: 2022-09-06. Review status: criteria provided, single submitter. Criteria: Invitae Variant Classification Sherloc (09022015). Collection method: clinical testing. Allele origin: germline.
Comment: This sequence change replaces arginine, which is basic and polar, with tryptophan, which is neutral and slightly polar, at codon 56 of the WT1 protein (p.Arg56Trp). This variant is not present in population databases (gnomAD no frequency). This variant has not been reported in the literature in individuals affected with WT1-related conditions. Algorithms developed to predict the effect of missense changes on protein structure and function are either unavailable or do not agree on the potential impact of this missense change (SIFT: "Deleterious"; PolyPhen-2: "Possibly Damaging"; Align-GVGD: "Class C0"). In summary, the available evidence is currently insufficient to determine the role of this variant in disease. Therefore, it has been classified as a Variant of Uncertain Significance.